The following is an entry in ClinVar:

NM_000431.4(MVK):c.613A>T (p.Asn205Tyr)

Gene: MVK (mevalonate kinase; plus strand). Cytogenetic location: 12q24.11.
Variant type: single nucleotide variant.
Coding change: c.613A>T on transcript NM_000431.4 (MANE Select); coding-DNA position 613, A replaced by T.
Protein change: p.Asn205Tyr; replaces asparagine 205 with tyrosine.
Molecular consequence: missense variant. On other transcripts: non-coding transcript variant (4).
Genome position (GRCh38, 1-based): chr12:109,586,107, A>T. VCF-style: chr12-109586107-A-T. GRCh37 (hg19) VCF-style: chr12-110023912-A-T.
Other names: c.613A>T, p.Asn205Tyr (NM_001114185.3, NM_001414511.1, NM_001414512.1 and 1 more transcripts); c.457A>T, p.Asn153Tyr (NM_001301182.2, NM_001414514.1); c.31A>T, p.Asn11Tyr (NM_001414515.1); short protein forms N11Y, N153Y, N205Y.
Identifiers: ClinVar variation 3896344 (VCV003896344.2).
Genomic context (GRCh38, chr12:109,586,107, plus strand): 5'-ATTAACAAGTGGGCCTTCCAAGGGGAGAGAATGATTCACGGGAACCCCTCCGGAGTGGAC[A>T]ATGCTGTCAGCACCTGGGGTAGGTGTGGCCTCAGGTTTATTTTATTGTTGTTATTTTAAA-3'
Protein context (NP_000422.1, residues 195-215): MIHGNPSGVD[Asn205Tyr]AVSTWGGALR

ClinVar aggregate classification (germline): Uncertain significance (1 of 4 stars; one submission).

Submission:

Women's Health and Genetics/Laboratory Corporation of America, LabCorp
Classification: Uncertain significance. Last evaluated: 2025-04-10. Review status: criteria provided, single submitter. Criteria: LabCorp Variant Classification Summary - May 2015. Collection method: clinical testing. Allele origin: germline.
Comment: Variant summary: MVK c.613A>T (p.Asn205Tyr) results in a non-conservative amino acid change located in the GHMP kinase N-terminal domain (IPR006204) of the encoded protein sequence. Five of five in-silico tools predict a damaging effect of the variant on protein function. The variant was absent in 251366 control chromosomes. c.613A>T has been observed in heterozygous individuals affected with Mevalonic aciduria (Tao_2022). These data indicate that the variant may be associated with disease. A different variant affecting the same codon has been classified as pathogenic by our lab (c.613A>G, p.Asn205Asp), supporting the critical relevance of codon 205 to MVK protein function. To our knowledge, no experimental evidence demonstrating an impact on protein function has been reported. The following publication have been ascertained in the context of this evaluation (PMID: 35665211). No submitters have cited clinical-significance assessments for this variant to ClinVar. Based on the evidence outlined above, the variant was classified as likely pathogenic.

Literature cited by the submitters: PubMed 35665211.